The following is an entry in ClinVar:

ClinVar aggregate classification (germline): Likely benign (0 of 4 stars; one submission).

Conditions:
MED23-related disorder. Also called: MED23-related condition.

Submission:

PreventionGenetics, part of Exact Sciences
Classification: Likely benign for MED23-related condition. Last evaluated: 2020-04-01. Review status: no assertion criteria provided. Collection method: clinical testing. Allele origin: germline.
Comment: This variant is classified as likely benign based on ACMG/AMP sequence variant interpretation guidelines (Richards et al. 2015 PMID: 25741868, with internal and published modifications).

NM_004830.4(MED23):c.40-7_40-5dup

Gene: MED23 (mediator complex subunit 23; minus strand). Cytogenetic location: 6q23.2.
Variant type: Duplication.
Coding change: c.40-7_40-5dup on transcript NM_004830.4 (MANE Select); 7 bases into the intron before coding-DNA position 40 through 5 bases into the intron before coding-DNA position 40, 3 bases duplicated (TTT; older notation c.40-7_40-5dupTTT).
Molecular consequence: intron variant.
Genome position (GRCh38, 1-based): chr6:131,627,677-131,627,679, AAA duplicated on the plus strand (TTT on the coding strand, the reverse complement: MED23 is on the minus strand); duplicating any 3 consecutive bases within chr6:131,627,677-131,627,690 gives the same sequence; the c. name uses the placement nearest the transcript's 3' end. VCF-style (leftmost placement, unchanged base first): chr6-131627676-T-TAAA. GRCh37 (hg19) VCF-style: chr6-131948816-T-TAAA.
Other names: c.40-7_40-5dup (NM_001270521.2, NM_015979.4, NM_001376523.1 and 7 more transcripts); c.-33-7_-33-5dup (NM_001376518.1).
Identifiers: ClinVar variation 3060586 (VCV003060586.2), dbSNP rs200823095, ClinGen allele CA4000393.